The following is an entry in ClinVar:

NM_032608.7(MYO18B):c.2016G>C (p.Gln672His)

Gene: MYO18B (myosin XVIIIB; plus strand). Cytogenetic location: 22q12.1.
Variant type: single nucleotide variant.
Coding change: c.2016G>C on transcript NM_032608.7 (MANE Select); coding-DNA position 2016, G replaced by C.
Protein change: p.Gln672His; replaces glutamine 672 with histidine.
Molecular consequence: missense variant.
Genome position (GRCh38, 1-based): chr22:25,777,729, G>C. VCF-style: chr22-25777729-G-C. GRCh37 (hg19) VCF-style: chr22-26173696-G-C.
Other names: c.2016G>C, p.Gln672His (NM_001318245.2); short protein forms Q672H.
Identifiers: ClinVar variation 3722108 (VCV003722108.2).
Genomic context (GRCh38, chr22:25,777,729, plus strand): 5'-AGACCAGAGCATTGTGGCCCTGGGCTGGAGTGGCGCTGGGAAGACCACCTGCTGTGAGCA[G>C]GTCCTGGAACACCTGGTGGGGATGGCAGGCAGTGTGGATGGCAGGGTCTCAGGTATGGTG-3'
Protein context (NP_115997.5, residues 662-682): SGAGKTTCCE[Gln672His]VLEHLVGMAG

ClinVar aggregate classification (germline): Uncertain significance (1 of 4 stars; one submission).

Submission:

Labcorp Genetics (formerly Invitae), Labcorp
Classification: Uncertain significance. Last evaluated: 2025-01-14. Review status: criteria provided, single submitter. Criteria: Invitae Variant Classification Sherloc (09022015). Collection method: clinical testing. Allele origin: germline.
Comment: This sequence change replaces glutamine, which is neutral and polar, with histidine, which is basic and polar, at codon 672 of the MYO18B protein (p.Gln672His). This variant is not present in population databases (gnomAD no frequency). This variant has not been reported in the literature in individuals affected with MYO18B-related conditions. An algorithm developed to predict the effect of missense changes on protein structure and function (PolyPhen-2) suggests that this variant is likely to be disruptive. In summary, the available evidence is currently insufficient to determine the role of this variant in disease. Therefore, it has been classified as a Variant of Uncertain Significance.